The following is an entry in ClinVar:

NM_004304.5(ALK):c.697A>T (p.Met233Leu)

Gene: ALK (ALK receptor tyrosine kinase; minus strand). Cytogenetic location: 2p23.2.
Variant type: single nucleotide variant.
Coding change: c.697A>T on transcript NM_004304.5 (MANE Select); coding-DNA position 697, A replaced by T.
Protein change: p.Met233Leu; replaces methionine 233 with leucine.
Molecular consequence: missense variant.
Genome position (GRCh38, 1-based): chr2:29,717,668, T>A on the plus strand (A>T on the coding strand, the complement: ALK is on the minus strand). VCF-style: chr2-29717668-T-A. GRCh37 (hg19) VCF-style: chr2-29940534-T-A.
Other names: short protein forms M233L.
Identifiers: ClinVar variation 2720322 (VCV002720322.3), dbSNP rs771254732, ClinGen allele CA346587796.

ClinVar aggregate classification (germline): Uncertain significance (1 of 4 stars; one submission).

Conditions:
Neuroblastoma, susceptibility to, 3. Also called: ALK-Related Neuroblastic Tumor Susceptibility. Identifiers: Orphanet 635, MedGen C2751681, MONDO:0013083, OMIM 613014.

Submission:

Labcorp Genetics (formerly Invitae), Labcorp
Classification: Uncertain significance for Neuroblastoma, susceptibility to, 3. Last evaluated: 2023-06-21. Review status: criteria provided, single submitter. Criteria: Invitae Variant Classification Sherloc (09022015). Collection method: clinical testing. Allele origin: germline.
Comment: This sequence change replaces methionine, which is neutral and non-polar, with leucine, which is neutral and non-polar, at codon 233 of the ALK protein (p.Met233Leu). This variant is not present in population databases (gnomAD no frequency). This variant has not been reported in the literature in individuals affected with ALK-related conditions. Algorithms developed to predict the effect of missense changes on protein structure and function output the following: SIFT: "Not Available"; PolyPhen-2: "Benign"; Align-GVGD: "Not Available". The leucine amino acid residue is found in multiple mammalian species, which suggests that this missense change does not adversely affect protein function. In summary, the available evidence is currently insufficient to determine the role of this variant in disease. Therefore, it has been classified as a Variant of Uncertain Significance.